The following is an entry in ClinVar:

ClinVar aggregate classification (germline): Uncertain significance (1 of 4 stars; one submission).

Conditions:
Familial cancer of breast. Also called: hereditary breast carcinoma; Hereditary breast cancer; BREAST CANCER, FAMILIAL. Identifiers: Orphanet 227535, MedGen C0346153, MONDO:0016419, OMIM 114480. Disease mechanism: loss of function.

Submission:

Labcorp Genetics (formerly Invitae), Labcorp
Classification: Uncertain significance for Familial cancer of breast. Last evaluated: 2020-03-16. Review status: criteria provided, single submitter. Criteria: Invitae Variant Classification Sherloc (09022015). Collection method: clinical testing. Allele origin: germline.
Comment: This variant has not been reported in the literature in individuals with BARD1-related conditions. This sequence change falls in intron 10 of the BARD1 gene. It does not directly change the encoded amino acid sequence of the BARD1 protein, but it affects a nucleotide within the consensus splice site of the intron. This variant is not present in population databases (ExAC no frequency). In summary, the available evidence is currently insufficient to determine the role of this variant in disease. Therefore, it has been classified as a Variant of Uncertain Significance. Nucleotide substitutions within the consensus splice site are a relatively common cause of aberrant splicing (PMID: 17576681, 9536098). Algorithms developed to predict the effect of sequence changes on RNA splicing suggest that this variant may create or strengthen a splice site, but this prediction has not been confirmed by published transcriptional studies.

Literature cited by the submitters: PubMed 17576681; PubMed 9536098.

NM_000465.4(BARD1):c.2001+5T>G

Gene: BARD1 (BRCA1 associated RING domain 1; minus strand). Cytogenetic location: 2q35.
Variant type: single nucleotide variant.
Coding change: c.2001+5T>G on transcript NM_000465.4 (MANE Select); 5 bases into the intron after coding-DNA position 2001, T replaced by G.
Molecular consequence: intron variant.
Genome position (GRCh38, 1-based): chr2:214,730,406, A>C on the plus strand (T>G on the coding strand, the complement: BARD1 is on the minus strand). VCF-style: chr2-214730406-A-C. GRCh37 (hg19) VCF-style: chr2-215595130-A-C.
Other names: c.591+5T>G (NM_001282548.2); c.1944+5T>G (NM_001282543.2); c.648+5T>G (NM_001282545.2); c.462+5T>G (NM_001282549.2).
Identifiers: ClinVar variation 1041475 (VCV001041475.9), dbSNP rs1692296244, ClinGen allele CA1327046349.